The following is an entry in ClinVar:

ClinVar aggregate classification (germline): Uncertain significance (1 of 4 stars; one submission).

Conditions:
Dilated cardiomyopathy 1G (CMD1G). Identifiers: Orphanet 154, MedGen C1858763, MONDO:0011400, OMIM 604145.
Autosomal recessive limb-girdle muscular dystrophy type 2J (LGMDR10). Also called: MUSCULAR DYSTROPHY, LIMB-GIRDLE, AUTOSOMAL RECESSIVE 10; Limb-girdle muscular dystrophy, type 2J. Identifiers: Orphanet 140922, MedGen C1837342, MONDO:0012127, OMIM 608807.

Allele frequency attached by ClinVar (database versions not stated): ExAC 0.00001.
gnomAD v4.1: 1 of 1,612,810 alleles (0.000062%); no homozygotes.

Submission:

Labcorp Genetics (formerly Invitae), Labcorp
Classification: Uncertain significance for Dilated cardiomyopathy 1G; Autosomal recessive limb-girdle muscular dystrophy type 2J. Last evaluated: 2022-03-08. Review status: criteria provided, single submitter. Criteria: Invitae Variant Classification Sherloc (09022015). Collection method: clinical testing. Allele origin: germline.
Comment: This variant is present in population databases (rs755637336, gnomAD 0.007%). In summary, the available evidence is currently insufficient to determine the role of this variant in disease. Therefore, it has been classified as a Variant of Uncertain Significance. This variant is located in the M band of TTN (PMID: 25589632). Variants in this region may be relevant for neuromuscular disorders, but have not been definitively shown to cause cardiomyopathy (PMID: 23975875). Experimental studies and prediction algorithms are not available or were not evaluated, and the functional significance of this variant is currently unknown. This variant has not been reported in the literature in individuals affected with TTN-related conditions. This sequence change replaces serine with phenylalanine at codon 34909 of the TTN protein (p.Ser34909Phe). There is a large physicochemical difference between serine and phenylalanine.

Literature cited by the submitters: PubMed 25589632; PubMed 23975875.

NM_001267550.2(TTN):c.104726C>T (p.Ser34909Phe)

Genes: TTN-AS1 (TTN antisense RNA 1; plus strand), TTN (titin; minus strand). Cytogenetic location: 2q31.2.
Variant type: single nucleotide variant.
Coding change: c.104726C>T on transcript NM_001267550.2 (MANE Select); coding-DNA position 104726, C replaced by T.
Protein change: p.Ser34909Phe; replaces serine 34909 with phenylalanine.
Molecular consequence: missense variant.
Genome position (GRCh38, 1-based): chr2:178,531,889, G>A on the plus strand (C>T on the coding strand, the complement: TTN is on the minus strand). VCF-style: chr2-178531889-G-A. GRCh37 (hg19) VCF-style: chr2-179396616-G-A.
Other names: c.99803C>T, p.Ser33268Phe (NM_001256850.1); c.77531C>T, p.Ser25844Phe (NM_003319.4); c.97022C>T, p.Ser32341Phe (NM_133378.4); c.77906C>T, p.Ser25969Phe (NM_133432.3); c.78107C>T, p.Ser26036Phe (NM_133437.4); short protein forms S33268F, S25969F, S26036F, S32341F, S25844F, S34909F.
Identifiers: ClinVar variation 1378683 (VCV001378683.6), dbSNP rs755637336, ClinGen allele CA1985371.
Genomic context (GRCh38, chr2:178,531,889, plus strand): 5'-TCATACTTCCTTTCTGATGTCTTCTGAGTTTTTAAAGCAGCTTTCATGGACTCATACCTG[G>A]AAAAGATATCAAATCTTGCAGACCTCTCAAATCTCGAGAGTGATCTCTCACTAGACACAG-3'
Protein context (NP_001254479.2, residues 34899-34919): FERSARFDIF[Ser34909Phe]RYESMKAALK